The following is an entry in ClinVar:

ClinVar aggregate classification (germline): Likely benign. Review status: criteria provided, multiple submitters, no conflicts (2 of 4 stars). 3 submissions from 3 submitters: Likely benign (3). Last evaluated 2022-04-12.

Conditions:
Glycogen storage disease, type V (GSD5). Also called: MCARDLE DISEASE; MUSCLE GLYCOGEN PHOSPHORYLASE DEFICIENCY; MYOPHOSPHORYLASE DEFICIENCY; PYGM DEFICIENCY; McArdle type glycogen storage disease. Identifiers: Orphanet 368, MedGen C0017924, MONDO:0009293, OMIM 232600.

Allele frequency attached by ClinVar (database versions not stated): gnomAD exomes below 0.00001.

Submissions (3):

Labcorp Genetics (formerly Invitae), Labcorp
Classification: Likely benign for Glycogen storage disease, type V. Last evaluated: 2022-04-12. Review status: criteria provided, single submitter. Criteria: Invitae Variant Classification Sherloc (09022015). Collection method: clinical testing. Allele origin: germline.

GeneDx
Classification: Likely benign. Last evaluated: 2016-02-08. Review status: criteria provided, single submitter. Criteria: GeneDx Variant Classification (06012015). Collection method: clinical testing. Allele origin: germline. Affected: yes.
Comment: This variant is considered likely benign or benign based on one or more of the following criteria: it is a conservative change, it occurs at a poorly conserved position in the protein, it is predicted to be benign by multiple in silico algorithms, and/or has population frequency not consistent with disease.

PreventionGenetics, part of Exact Sciences
Classification: Likely benign. Review status: criteria provided, single submitter. Criteria: ACMG Guidelines, 2015. Collection method: clinical testing. Allele origin: germline.

NM_005609.4(PYGM):c.15G>C (p.Leu5=)

Gene: PYGM (glycogen phosphorylase, muscle associated; minus strand). Cytogenetic location: 11q13.1.
Variant type: single nucleotide variant.
Coding change: c.15G>C on transcript NM_005609.4 (MANE Select); coding-DNA position 15, G replaced by C.
Protein change: p.Leu5=; no amino-acid change (leucine 5 retained).
Molecular consequence: synonymous variant.
Genome position (GRCh38, 1-based): chr11:64,759,884, C>G on the plus strand (G>C on the coding strand, the complement: PYGM is on the minus strand). VCF-style: chr11-64759884-C-G. GRCh37 (hg19) VCF-style: chr11-64527356-C-G.
Other names: c.15G>C, p.Leu5= (NM_001164716.1).
Identifiers: ClinVar variation 259831 (VCV000259831.10), dbSNP rs886038565, ClinGen allele CA10587132.